The following is an entry in ClinVar:

NM_145290.4(ADGRA3):c.1702C>T (p.Arg568Cys)

Gene: ADGRA3 (adhesion G protein-coupled receptor A3; minus strand). Cytogenetic location: 4p15.2.
Variant type: single nucleotide variant.
Coding change: c.1702C>T on transcript NM_145290.4 (MANE Select); coding-DNA position 1702, C replaced by T.
Protein change: p.Arg568Cys; replaces arginine 568 with cysteine.
Molecular consequence: missense variant.
Genome position (GRCh38, 1-based): chr4:22,420,993, G>A on the plus strand (C>T on the coding strand, the complement: ADGRA3 is on the minus strand). VCF-style: chr4-22420993-G-A. GRCh37 (hg19) VCF-style: chr4-22422616-G-A.
Other names: short protein forms R568C.
Identifiers: ClinVar variation 1412935 (VCV001412935.6), dbSNP rs375354992, ClinGen allele CA2873867.

ClinVar aggregate classification (germline): Uncertain significance (1 of 4 stars; one submission).

Allele frequency attached by ClinVar (database versions not stated): TOPMed 0.00004; gnomAD 0.00005; ESP Exome Variant Server 0.00015.
gnomAD v4.1: 122 of 1,613,892 alleles (0.0076%); highest among the groups gnomAD compares: Non-Finnish European, 0.0099%; no homozygotes.

Submission:

Labcorp Genetics (formerly Invitae), Labcorp
Classification: Uncertain significance. Last evaluated: 2023-06-13. Review status: criteria provided, single submitter. Criteria: Invitae Variant Classification Sherloc (09022015). Collection method: clinical testing. Allele origin: germline.
Comment: In summary, the available evidence is currently insufficient to determine the role of this variant in disease. Therefore, it has been classified as a Variant of Uncertain Significance. An algorithm developed to predict the effect of missense changes on protein structure and function (PolyPhen-2) suggests that this variant is likely to be disruptive. ClinVar contains an entry for this variant (Variation ID: 1412935). This variant has not been reported in the literature in individuals affected with ADGRA3-related conditions. This variant is present in population databases (rs375354992, gnomAD 0.007%). This sequence change replaces arginine, which is basic and polar, with cysteine, which is neutral and slightly polar, at codon 568 of the ADGRA3 protein (p.Arg568Cys).